The following is an entry in ClinVar:

NM_017534.6(MYH2):c.1543G>A (p.Asp515Asn)

Genes: MYH2 (myosin heavy chain 2; minus strand), MYHAS (myosin heavy chain gene cluster antisense RNA; plus strand). Cytogenetic location: 17p13.1.
Variant type: single nucleotide variant.
Coding change: c.1543G>A on transcript NM_017534.6 (MANE Select); coding-DNA position 1543, G replaced by A.
Protein change: p.Asp515Asn; replaces aspartic acid 515 with asparagine.
Molecular consequence: missense variant.
Genome position (GRCh38, 1-based): chr17:10,537,709, C>T on the plus strand (G>A on the coding strand, the complement: MYH2 is on the minus strand). VCF-style: chr17-10537709-C-T. GRCh37 (hg19) VCF-style: chr17-10441026-C-T.
Other names: c.1543G>A, p.Asp515Asn (NM_001100112.2); short protein forms D515N.
Identifiers: ClinVar variation 1003676 (VCV001003676.40), dbSNP rs372386851, ClinGen allele CA8391351.
Genomic context (GRCh38, chr17:10,537,709, plus strand): 5'-GAAATGCAAAACCAACCTTCTCGATGAGCTCGATGCAGGCAGCCAGGTCCATCCCGAAGT[C>T]GATGAACGTCCACTCGATGCCTTCCTTCTTGTACTCCTCCTGCTCCAGCACGAACATGTG-3'
Protein context (NP_060004.3, residues 505-525): KKEGIEWTFI[Asp515Asn]FGMDLAACIE

ClinVar aggregate classification (germline): Uncertain significance. Review status: criteria provided, multiple submitters, no conflicts (2 of 4 stars). 2 submissions from 2 submitters: Uncertain significance (2). Last evaluated 2022-07-06.

Conditions:
Myopathy, proximal, and ophthalmoplegia (CMYO6). Also called: CONGENITAL MYOPATHY 6 WITH OPHTHALMOPLEGIA; INCLUSION BODY MYOPATHY 3, AUTOSOMAL DOMINANT; MYOPATHY WITH CONGENITAL JOINT CONTRACTURES, OPHTHALMOPLEGIA, AND RIMMED VACUOLES. Identifiers: Orphanet 363677, Orphanet 79091, MedGen C1854106, MONDO:0011577, OMIM 605637.

Allele frequency attached by ClinVar (database versions not stated): gnomAD 0.00001; TOPMed 0.00001; ESP Exome Variant Server 0.00008.

Submissions (2):

Labcorp Genetics (formerly Invitae), Labcorp
Classification: Uncertain significance for Myopathy, proximal, and ophthalmoplegia. Last evaluated: 2022-07-06. Review status: criteria provided, single submitter. Criteria: Invitae Variant Classification Sherloc (09022015). Collection method: clinical testing. Allele origin: germline.
Comment: In summary, the available evidence is currently insufficient to determine the role of this variant in disease. Therefore, it has been classified as a Variant of Uncertain Significance. Algorithms developed to predict the effect of missense changes on protein structure and function are either unavailable or do not agree on the potential impact of this missense change (SIFT: "Deleterious"; PolyPhen-2: "Probably Damaging"; Align-GVGD: "Class C15"). ClinVar contains an entry for this variant (Variation ID: 1003676). This variant has not been reported in the literature in individuals affected with MYH2-related conditions. The frequency data for this variant in the population databases is considered unreliable, as metrics indicate poor data quality at this position in the gnomAD database. This sequence change replaces aspartic acid, which is acidic and polar, with asparagine, which is neutral and polar, at codon 515 of the MYH2 protein (p.Asp515Asn).

CeGaT Center for Human Genetics Tuebingen
Classification: Uncertain significance. Last evaluated: 2021-08-01. Review status: criteria provided, single submitter. Criteria: CeGaT Center For Human Genetics Tuebingen Variant Classification Criteria Version 2. Collection method: clinical testing. Allele origin: germline. Affected: yes. Observed: 1 variant allele.